The following is an entry in ClinVar:

NM_002336.3(LRP6):c.4176dup (p.Ile1393fs)

Gene: LRP6 (LDL receptor related protein 6; minus strand). Cytogenetic location: 12p13.2.
Variant type: Duplication.
Coding change: c.4176dup on transcript NM_002336.3 (MANE Select); coding-DNA position 4176, one base duplicated (T; older notation c.4176dupT).
Protein change: p.Ile1393fs; shifts the reading frame from isoleucine 1393.
Molecular consequence: frameshift variant. On other transcripts: non-coding transcript variant (1).
Genome position (GRCh38, 1-based): chr12:12,126,827, A duplicated on the plus strand (T on the coding strand, the reverse complement: LRP6 is on the minus strand); the first of 3 consecutive A bases (chr12:12,126,827-12,126,829); duplicating any one gives the same sequence. VCF-style (leftmost placement, unchanged base first): chr12-12126826-T-TA. GRCh37 (hg19) VCF-style: chr12-12279760-T-TA.
Other names: c.4269dup, p.Ile1424fs (NM_001414244.1); c.4176dup, p.Ile1393fs (NM_001414245.1, NM_001414248.1, NM_001414249.1 and 1 more transcripts); c.4041dup, p.Ile1348fs (NM_001414246.1); c.3978dup, p.Ile1327fs (NM_001414247.1); c.3813dup, p.Ile1272fs (NM_001414251.1); c.3723dup, p.Ile1242fs (NM_001414252.1, NM_001414253.1, NM_001414254.1); c.3669dup, p.Ile1224fs (NM_001414255.1); short protein forms I1224fs, I1393fs, I1327fs, I1348fs, I1242fs, I1272fs, I1424fs.
Identifiers: ClinVar variation 2755733 (VCV002755733.3), dbSNP rs1949678319, ClinGen allele CA2016765921.

ClinVar aggregate classification (germline): Pathogenic (1 of 4 stars; one submission).

Submission:

Labcorp Genetics (formerly Invitae), Labcorp
Classification: Pathogenic. Last evaluated: 2023-08-27. Review status: criteria provided, single submitter. Criteria: Invitae Variant Classification Sherloc (09022015). Collection method: clinical testing. Allele origin: germline.
Comment: For these reasons, this variant has been classified as Pathogenic. This variant has not been reported in the literature in individuals affected with LRP6-related conditions. This variant is not present in population databases (gnomAD no frequency). This sequence change creates a premature translational stop signal (p.Ile1393Tyrfs*19) in the LRP6 gene. It is expected to result in an absent or disrupted protein product. Loss-of-function variants in LRP6 are known to be pathogenic (PMID: 26387593).

Literature cited by the submitters: PubMed 26387593.